The following is an entry in ClinVar:

ClinVar aggregate classification (germline): Uncertain significance (1 of 4 stars; one submission).

Conditions:
Myasthenic syndrome, congenital, 22 (CMS22). Also called: PREPL DEFICIENCY. Identifiers: MedGen C4479088, MONDO:0044299, OMIM 616224.

Submission:

Labcorp Genetics (formerly Invitae), Labcorp
Classification: Uncertain significance for Myasthenic syndrome, congenital, 22. Last evaluated: 2022-08-10. Review status: criteria provided, single submitter. Criteria: Invitae Variant Classification Sherloc (09022015). Collection method: clinical testing. Allele origin: germline.
Comment: This sequence change replaces aspartic acid, which is acidic and polar, with tyrosine, which is neutral and polar, at codon 645 of the PREPL protein (p.Asp645Tyr). This variant is not present in population databases (gnomAD no frequency). This variant has not been reported in the literature in individuals affected with PREPL-related conditions. Algorithms developed to predict the effect of missense changes on protein structure and function are either unavailable or do not agree on the potential impact of this missense change (SIFT: "Deleterious"; PolyPhen-2: "Probably Damaging"; Align-GVGD: "Class C15"). In summary, the available evidence is currently insufficient to determine the role of this variant in disease. Therefore, it has been classified as a Variant of Uncertain Significance.

NM_001171613.2(PREPL):c.1666G>T (p.Asp556Tyr)

Gene: PREPL (prolyl endopeptidase like; minus strand). Cytogenetic location: 2p21.
Variant type: single nucleotide variant.
Coding change: c.1666G>T on transcript NM_001171613.2 (MANE Select); coding-DNA position 1666, G replaced by T.
Protein change: p.Asp556Tyr; replaces aspartic acid 556 with tyrosine.
Molecular consequence: missense variant.
Genome position (GRCh38, 1-based): chr2:44,322,818, C>A on the plus strand (G>T on the coding strand, the complement: PREPL is on the minus strand). VCF-style: chr2-44322818-C-A. GRCh37 (hg19) VCF-style: chr2-44549957-C-A.
Other names: c.1747G>T, p.Asp583Tyr (NM_001042385.2); c.1735G>T, p.Asp579Tyr (NM_001042386.2); c.1933G>T, p.Asp645Tyr (NM_001171603.1, NM_001171606.2, NM_001374275.1 and 2 more transcripts); c.1666G>T, p.Asp556Tyr (NM_001171617.1, NM_001374277.1); short protein forms D556Y, D579Y, D583Y, D645Y.
Identifiers: ClinVar variation 1717909 (VCV001717909.5), dbSNP rs191681889, ClinGen allele CA346688579.
Genomic context (GRCh38, chr2:44,322,818, plus strand): 5'-CGATGGCTTCCTTGAGTTTCTCAGTATAACTTACAATTCCTTTCAGAGGTACCCGTTCAT[C>A]GTTTTCATATGCCGTTATGTGAATTGAAGGATAATGCTGAAAGAAAATACATGCACGAAG-3'
Protein context (NP_001165084.1, residues 546-566): PSIHITAYEN[Asp556Tyr]ERVPLKGIVS